The following is an entry in ClinVar:

NM_138691.3(TMC1):c.884+2dup

Gene: TMC1 (transmembrane channel like 1; plus strand). Cytogenetic location: 9q21.13.
Variant type: Duplication.
Coding change: c.884+2dup on transcript NM_138691.3 (MANE Select); the canonical splice donor site of the intron after coding-DNA position 884, one base duplicated (T; older notation c.884+2dupT).
Molecular consequence: splice donor variant (on NM_138691.2).
Genome position (GRCh38, 1-based): chr9:72,772,557, T duplicated. VCF-style (leftmost placement, unchanged base first): chr9-72772556-G-GT. GRCh37 (hg19) VCF-style: chr9-75387472-G-GT.
Other names: c.884+2_884+3insT (NM_138691.2); c.884+2dupT (NM_138691.2).
Identifiers: ClinVar variation 229319 (VCV000229319.6), dbSNP rs876658020, ClinGen allele CA10576752.

ClinVar aggregate classification (germline): Conflicting classifications of pathogenicity. Review status: criteria provided, conflicting classifications (1 of 4 stars). 2 submissions from 2 submitters: Likely pathogenic (1); Uncertain significance (1). Last evaluated 2023-12-29.

Conditions:
Autosomal recessive nonsyndromic hearing loss 7. Also called: DEAFNESS, AUTOSOMAL RECESSIVE 11. Identifiers: Orphanet 90636, MedGen C1832978, MONDO:0010967, OMIM 600974.
Autosomal dominant nonsyndromic hearing loss 36. Identifiers: Orphanet 90635, MedGen C1847626, MONDO:0011708, OMIM 606705.

Allele frequency attached by ClinVar (database versions not stated): gnomAD exomes below 0.00001 and 0.00001.

Submissions (2):

Fulgent Genetics
Classification: Likely pathogenic for Autosomal recessive nonsyndromic hearing loss 7; Autosomal dominant nonsyndromic hearing loss 36. Last evaluated: 2023-12-29. Review status: criteria provided, single submitter. Criteria: ACMG Guidelines, 2015. Collection method: clinical testing. Allele origin: germline.

Laboratory for Molecular Medicine, Mass General Brigham Personalized Medicine
Classification: Uncertain significance. Last evaluated: 2015-11-12. Review status: criteria provided, single submitter. Criteria: LMM Criteria. Collection method: clinical testing. Allele origin: germline. Observed: 1 variant allele.
Comment: Variant classified as Uncertain Significance - Favor Pathogenic. The c.884+2_884 +3insT variant in TMC1 has not been previously reported in individuals with hear ing loss. This variant was absent from large population studies, though the abil ity of these studies to accurately detect indels may be limited. This variant is located in the 5' splice region. Computational tools suggest an impact to splic ing. However, this information is not predictive enough to determine pathogenici ty. In summary, while there is some suspicion for a pathogenic role, the clinica l significance of the c.884+2_884+3insT variant is uncertain.